The following is an entry in ClinVar:

ClinVar aggregate classification (germline): Uncertain significance. Review status: criteria provided, multiple submitters, no conflicts (2 of 4 stars). 3 submissions from 3 submitters: Uncertain significance (2). 1 of the submissions does not count toward it. Last evaluated 2025-07-06.

Conditions:
Retinal dystrophy. Also called: Inherited retinal dystrophy. Identifiers: Orphanet 71862, MedGen C0854723, MeSH D058499, MONDO:0019118, HP:0000556.

gnomAD v4.1: 7 of 1,613,568 alleles (0.00043%); highest among the groups gnomAD compares: Middle Eastern, 0.017%; no homozygotes.

Submissions (3):

Labcorp Genetics (formerly Invitae), Labcorp
Classification: Uncertain significance. Last evaluated: 2025-07-06. Review status: criteria provided, single submitter. Criteria: Invitae Variant Classification Sherloc (09022015). Collection method: clinical testing. Allele origin: germline.
Comment: This sequence change creates a premature translational stop signal (p.Cys2109*) in the RP1 gene. While this is not anticipated to result in nonsense mediated decay, it is expected to disrupt the last 48 amino acid(s) of the RP1 protein. This variant is present in population databases (no rsID available, gnomAD 0.002%). This variant has not been reported in the literature in individuals affected with RP1-related conditions. ClinVar contains an entry for this variant (Variation ID: 1919986). This variant disrupts a region of the RP1 protein in which other variant(s) (p.Ser2114del) have been observed in individuals with RP1-related conditions (PMID: 33681214). This suggests that this is a clinically significant region of the protein, and that variants that disrupt it are likely to be disease-causing. In summary, the available evidence is currently insufficient to determine the role of this variant in disease. Therefore, it has been classified as a Variant of Uncertain Significance.

Blueprint Genetics
Classification: Uncertain significance. Last evaluated: 2022-06-03. Review status: criteria provided, single submitter. Criteria: ACMG Guidelines, 2015. Collection method: clinical testing. Allele origin: germline.

Institute of Human Genetics, Univ. Regensburg, Univ. Regensburg
Classification: Uncertain significance for Retinal dystrophy. Last evaluated: 2023-01-01. Review status: no assertion criteria provided. Criteria: ACMG Guidelines, 2015. Collection method: clinical testing. Allele origin: germline. Affected: yes. Not counted in ClinVar's aggregate classification.

Literature cited by the submitters: PubMed 33681214 (cited by Labcorp Genetics (formerly Invitae), Labcorp).

NM_006269.2(RP1):c.6327C>A (p.Cys2109Ter)

Gene: RP1 (RP1 axonemal microtubule associated; plus strand). Cytogenetic location: 8q12.1.
Variant type: single nucleotide variant.
Coding change: c.6327C>A on transcript NM_006269.2 (MANE Select); coding-DNA position 6327, C replaced by A.
Protein change: p.Cys2109Ter; replaces cysteine 2109 with a stop codon.
Molecular consequence: nonsense. On other transcripts: intron variant (1).
Genome position (GRCh38, 1-based): chr8:54,630,209, C>A. VCF-style: chr8-54630209-C-A. GRCh37 (hg19) VCF-style: chr8-55542769-C-A.
Other names: c.787+7921C>A (NM_001375654.1); short protein forms C2109*.
Identifiers: ClinVar variation 1919986 (VCV001919986.7), dbSNP rs1371811798, ClinGen allele CA370991824.